The following is an entry in ClinVar:

ClinVar aggregate classification (germline): Pathogenic (1 of 4 stars; one submission).

Conditions:
Pyridoxine-dependent epilepsy (EPEO4). Also called: Pyridoxine-Dependent Seizures; Pyridoxine-Dependent Epilepsy - ALDH7A1; PYRIDOXINE DEPENDENCY WITH SEIZURES; EPILEPSY, EARLY-ONSET, 4, VITAMIN B6-DEPENDENT. Identifiers: Orphanet 3006, MedGen C1849508, MONDO:0009945, OMIM 266100. Disease mechanism: loss of function.

Submission:

Labcorp Genetics (formerly Invitae), Labcorp
Classification: Pathogenic for Pyridoxine-dependent epilepsy. Last evaluated: 2020-07-16. Review status: criteria provided, single submitter. Criteria: Invitae Variant Classification Sherloc (09022015). Collection method: clinical testing. Allele origin: germline.
Comment: A gross deletion of the genomic region encompassing the full coding sequence of the ALDH7A1 gene has been identified. The boundaries of this event are unknown as the deletion extends beyond the assayed region for this gene and therefore may encompass additional genes. This variant has not been reported in the literature in individuals with ALDH7A1-related conditions. Loss-of-function variants in ALDH7A1 are known to be pathogenic (PMID: 16491085, 20554659). For these reasons, this variant has been classified as Pathogenic.

Literature cited by the submitters: PubMed 16491085; PubMed 20554659.

NC_000005.9:g.(?_125880657)_(125930890_?)del

Gene: ALDH7A1 (aldehyde dehydrogenase 7 family member A1; minus strand). Cytogenetic location: 5q23.2.
Variant type: Deletion.
Identifiers: ClinVar variation 1071019 (VCV001071019.2).